The following is an entry in ClinVar:

NM_002471.4(MYH6):c.611G>A (p.Arg204His)

Genes: MYH6 (myosin heavy chain 6; minus strand), LOC114827851 (VISTA enhancer hs2155; plus strand). Cytogenetic location: 14q11.2.
Variant type: single nucleotide variant.
Coding change: c.611G>A on transcript NM_002471.4 (MANE Select); coding-DNA position 611, G replaced by A.
Protein change: p.Arg204His; replaces arginine 204 with histidine.
Molecular consequence: missense variant.
Genome position (GRCh38, 1-based): chr14:23,404,742, C>T on the plus strand (G>A on the coding strand, the complement: MYH6 is on the minus strand). VCF-style: chr14-23404742-C-T. GRCh37 (hg19) VCF-style: chr14-23873951-C-T.
Other names: short protein forms R204H.
Identifiers: ClinVar variation 965840 (VCV000965840.13), dbSNP rs200623022, ClinGen allele CA7116101.

ClinVar aggregate classification (germline): Uncertain significance. Review status: criteria provided, multiple submitters, no conflicts (2 of 4 stars). 3 submissions from 3 submitters: Uncertain significance (2). 1 of the submissions does not count toward it. Last evaluated 2024-12-04.

Conditions:
Hypertrophic cardiomyopathy 14. Identifiers: MedGen C2750467, MONDO:0013197, OMIM 613251.
MYH6-related disorder. Also called: MYH6-related condition; MYH6-Related Disorders.
Cardiovascular phenotype. Identifiers: MedGen CN230736.

Allele frequency attached by ClinVar (database versions not stated): gnomAD exomes 0.00002 and 0.00007; gnomAD 0.00005; TOPMed 0.00005; ExAC 0.00013.
gnomAD v4.1: 42 of 1,614,050 alleles (0.0026%); highest among the groups gnomAD compares: African/African-American, 0.0053%; no homozygotes.

Submissions (3):

Labcorp Genetics (formerly Invitae), Labcorp
Classification: Uncertain significance for Hypertrophic cardiomyopathy 14. Last evaluated: 2024-12-04. Review status: criteria provided, single submitter. Criteria: Invitae Variant Classification Sherloc (09022015). Collection method: clinical testing. Allele origin: germline.
Comment: This sequence change replaces arginine, which is basic and polar, with histidine, which is basic and polar, at codon 204 of the MYH6 protein (p.Arg204His). This variant is present in population databases (rs200623022, gnomAD 0.02%). This missense change has been observed in individual(s) with hypertrophic cardiomyopathy (PMID: 27483260). ClinVar contains an entry for this variant (Variation ID: 965840). Invitae Evidence Modeling of protein sequence and biophysical properties (such as structural, functional, and spatial information, amino acid conservation, physicochemical variation, residue mobility, and thermodynamic stability) indicates that this missense variant is not expected to disrupt MYH6 protein function with a negative predictive value of 80%. In summary, the available evidence is currently insufficient to determine the role of this variant in disease. Therefore, it has been classified as a Variant of Uncertain Significance.

Ambry Genetics
Classification: Uncertain significance for Cardiovascular phenotype. Last evaluated: 2024-10-03. Review status: criteria provided, single submitter. Criteria: Ambry Variant Classification Scheme 2023. Collection method: clinical testing. Allele origin: germline.
Comment: The p.R204H variant (also known as c.611G>A), located in coding exon 5 of the MYH6 gene, results from a G to A substitution at nucleotide position 611. The arginine at codon 204 is replaced by histidine, an amino acid with highly similar properties. This alteration has been reported in both hypertrophic cardiomyopathy (HCM) and dilated cardiomyopathy (DCM) cohorts (Rubattu S et al. Int J Mol Sci, 2016 Jul;17; Franaszczyk M et al. PLoS One, 2017 Jan;12:e0169007). This amino acid position is highly conserved in available vertebrate species. In addition, this alteration is predicted to be tolerated by in silico analysis. Since supporting evidence is limited at this time, the clinical significance of this alteration remains unclear.

PreventionGenetics, part of Exact Sciences
Classification: Uncertain significance for MYH6-related condition. Last evaluated: 2024-04-24. Review status: no assertion criteria provided. Collection method: clinical testing. Allele origin: germline. Not counted in ClinVar's aggregate classification.
Comment: The MYH6 c.611G>A variant is predicted to result in the amino acid substitution p.Arg204His. This variant was reported in individuals with hypertrophic cardiomyopathy or dilated cardiomyopathy; however, these reported individuals also carried additional variants in other cardiomyopathy-associated genes (patient ID LO17, Rubattu et al. 2016. PubMed ID: 27483260; pedigree DCM081 in Fig S1, Franaszczyk et al. 2017. PubMed ID: 28045975). This variant is reported in 0.016% of alleles in individuals of African descent in gnomAD and is interpreted as a variant of uncertain significance in ClinVar. At this time, the clinical significance of this variant is uncertain due to the absence of conclusive functional and genetic evidence.

Literature cited by the submitters: PubMed 27483260 (cited by Labcorp Genetics (formerly Invitae), Labcorp and Ambry Genetics); PubMed 28045975 (cited by Ambry Genetics).